The following is an entry in ClinVar:

ClinVar aggregate classification (germline): Uncertain significance (1 of 4 stars; one submission).

Conditions:
Very long chain acyl-CoA dehydrogenase deficiency (ACADVLD). Also called: Very Long-Chain Acyl-Coenzyme A Dehydrogenase Deficiency; VLCAD Deficiency. Identifiers: Orphanet 26793, MedGen C3887523, MONDO:0008723, OMIM 201475.

Allele frequency attached by ClinVar (database versions not stated): TOPMed below 0.00001; gnomAD 0.00001.
gnomAD v4.1: 1 of 1,613,946 alleles (0.000062%); highest among the groups gnomAD compares: African/African-American, 0.0013%; no homozygotes.

Submission:

Labcorp Genetics (formerly Invitae), Labcorp
Classification: Uncertain significance for Very long chain acyl-CoA dehydrogenase deficiency. Last evaluated: 2022-08-16. Review status: criteria provided, single submitter. Criteria: Invitae Variant Classification Sherloc (09022015). Collection method: clinical testing. Allele origin: germline.
Comment: This variant has not been reported in the literature in individuals affected with ACADVL-related conditions. This variant is not present in population databases (gnomAD no frequency). This sequence change replaces threonine, which is neutral and polar, with isoleucine, which is neutral and non-polar, at codon 268 of the ACADVL protein (p.Thr268Ile). Algorithms developed to predict the effect of missense changes on protein structure and function (SIFT, PolyPhen-2, Align-GVGD) all suggest that this variant is likely to be tolerated. In summary, the available evidence is currently insufficient to determine the role of this variant in disease. Therefore, it has been classified as a Variant of Uncertain Significance.

NM_000018.4(ACADVL):c.803C>T (p.Thr268Ile)

Gene: ACADVL (acyl-CoA dehydrogenase very long chain; plus strand). Cytogenetic location: 17p13.1.
Variant type: single nucleotide variant.
Coding change: c.803C>T on transcript NM_000018.4 (MANE Select); coding-DNA position 803, C replaced by T.
Protein change: p.Thr268Ile; replaces threonine 268 with isoleucine.
Molecular consequence: missense variant.
Genome position (GRCh38, 1-based): chr17:7,222,227, C>T. VCF-style: chr17-7222227-C-T. GRCh37 (hg19) VCF-style: chr17-7125546-C-T.
Other names: c.737C>T, p.Thr246Ile (NM_001033859.3); c.872C>T, p.Thr291Ile (NM_001270447.2); c.575C>T, p.Thr192Ile (NM_001270448.2); short protein forms T192I, T246I, T268I, T291I.
Identifiers: ClinVar variation 1901634 (VCV001901634.5), dbSNP rs2071266609, ClinGen allele CA397723724.